The following is an entry in ClinVar:

ClinVar aggregate classification (germline): Likely benign. Review status: criteria provided, multiple submitters, no conflicts (2 of 4 stars). 7 submissions from 7 submitters: Likely benign (4). 3 of the submissions do not count toward it. Last evaluated 2026-01-15.

Conditions:
CIB2-related disorder. Also called: CIB2-related condition.

Allele frequency attached by ClinVar (database versions not stated): ESP Exome Variant Server 0.00015; 1000 Genomes Project 30x 0.00031; TOPMed 0.00031; 1000 Genomes Project 0.00040; gnomAD exomes 0.00055 and 0.00075; gnomAD 0.00070; ExAC 0.00096.
gnomAD v4.1: 900 of 1,614,178 alleles (0.056%); highest among the groups gnomAD compares: Non-Finnish European, 0.053%; 1 homozygote.

Submissions (7):

Labcorp Genetics (formerly Invitae), Labcorp
Classification: Likely benign. Last evaluated: 2026-01-15. Review status: criteria provided, single submitter. Criteria: Invitae Variant Classification Sherloc (09022015). Collection method: clinical testing. Allele origin: germline.

Blueprint Genetics
Classification: Likely benign. Last evaluated: 2024-11-21. Review status: criteria provided, single submitter. Criteria: ACMG Guidelines, 2015. Collection method: clinical testing. Allele origin: germline.

GeneDx
Classification: Likely benign. Last evaluated: 2021-04-28. Review status: criteria provided, single submitter. Criteria: GeneDx Variant Classification Process June 2021. Collection method: clinical testing. Allele origin: germline. Affected: yes.

Laboratory for Molecular Medicine, Mass General Brigham Personalized Medicine
Classification: Likely benign. Last evaluated: 2015-07-06. Review status: criteria provided, single submitter. Criteria: LMM Criteria. Collection method: clinical testing. Allele origin: germline. Observed: 2 variant alleles.
Comment: p.Lys175Gln in exon 5 of CIB2: This variant is not expected to have clinical si gnificance because it has been identified in several populations by the Exome Ag gregation Consortium, including 0.13% (85/66702) of European chromosomes and 0.2 3% (15/6568) of Finnish chromosomes (ExAC; dbSNP rs200546031).

PreventionGenetics, part of Exact Sciences
Classification: Likely benign for CIB2-related condition. Last evaluated: 2024-08-28. Review status: no assertion criteria provided. Collection method: clinical testing. Allele origin: germline. Not counted in ClinVar's aggregate classification.
Comment: This variant is classified as likely benign based on ACMG/AMP sequence variant interpretation guidelines (Richards et al. 2015 PMID: 25741868, with internal and published modifications).

Clinical Genetics DNA and cytogenetics Diagnostics Lab, Erasmus MC, Erasmus Medical Center
Classification: Uncertain significance. Review status: no assertion criteria provided. Collection method: clinical testing. Allele origin: germline. Affected: yes. Study: VKGL Data-share Consensus. Not counted in ClinVar's aggregate classification.

Joint Genome Diagnostic Labs from Nijmegen and Maastricht, Radboudumc and MUMC+
Classification: Uncertain significance. Review status: no assertion criteria provided. Collection method: clinical testing. Allele origin: germline. Affected: yes. Study: VKGL Data-share Consensus. Not counted in ClinVar's aggregate classification.

NM_006383.4(CIB2):c.523A>C (p.Lys175Gln)

Gene: CIB2 (calcium and integrin binding family member 2; minus strand). Cytogenetic location: 15q25.1.
Variant type: single nucleotide variant.
Coding change: c.523A>C on transcript NM_006383.4 (MANE Select); coding-DNA position 523, A replaced by C.
Protein change: p.Lys175Gln; replaces lysine 175 with glutamine.
Molecular consequence: missense variant. On other transcripts: non-coding transcript variant (1).
Genome position (GRCh38, 1-based): chr15:78,105,758, T>G on the plus strand (A>C on the coding strand, the complement: CIB2 is on the minus strand). VCF-style: chr15-78105758-T-G. GRCh37 (hg19) VCF-style: chr15-78398100-T-G.
Other names: c.394A>C, p.Lys132Gln (NM_001271888.2); c.376A>C, p.Lys126Gln (NM_001271889.2); c.538A>C, p.Lys180Gln (NM_001301224.2); short protein forms K175Q, K126Q, K132Q, K180Q.
Identifiers: ClinVar variation 227251 (VCV000227251.20), dbSNP rs200546031, ClinGen allele CA7680149.